The following is an entry in ClinVar:

ClinVar aggregate classification (germline): Uncertain significance (1 of 4 stars; one submission).

Submission:

GeneDx
Classification: Uncertain significance. Last evaluated: 2023-05-01. Review status: criteria provided, single submitter. Criteria: GeneDx Variant Classification Process June 2021. Collection method: clinical testing. Allele origin: germline. Affected: yes.
Comment: Not observed at significant frequency in large population cohorts (gnomAD); In silico analysis supports that this missense variant does not alter protein structure/function; Has not been previously published as pathogenic or benign to our knowledge

NM_001282531.3(ADNP):c.2585C>G (p.Ala862Gly)

Gene: ADNP (activity dependent neuroprotector homeobox; minus strand). Cytogenetic location: 20q13.13.
Variant type: single nucleotide variant.
Coding change: c.2585C>G on transcript NM_001282531.3 (MANE Select); coding-DNA position 2585, C replaced by G.
Protein change: p.Ala862Gly; replaces alanine 862 with glycine.
Molecular consequence: missense variant.
Genome position (GRCh38, 1-based): chr20:50,892,129, G>C on the plus strand (C>G on the coding strand, the complement: ADNP is on the minus strand). VCF-style: chr20-50892129-G-C. GRCh37 (hg19) VCF-style: chr20-49508666-G-C.
Other names: c.2585C>G, p.Ala862Gly (NM_001282532.2, NM_001347511.2, NM_015339.5 and 1 more transcripts); short protein forms A862G.
Identifiers: ClinVar variation 3343247 (VCV003343247.1).